The following is an entry in ClinVar:

ClinVar aggregate classification (germline): Pathogenic (1 of 4 stars; one submission).

Submission:

Labcorp Genetics (formerly Invitae), Labcorp
Classification: Pathogenic. Last evaluated: 2023-05-12. Review status: criteria provided, single submitter. Criteria: Invitae Variant Classification Sherloc (09022015). Collection method: clinical testing. Allele origin: germline.
Comment: For these reasons, this variant has been classified as Pathogenic. ClinVar contains an entry for this variant (Variation ID: 858891). This variant has not been reported in the literature in individuals affected with TTI2-related conditions. This variant is not present in population databases (gnomAD no frequency). This sequence change creates a premature translational stop signal (p.Glu8Lysfs*12) in the TTI2 gene. It is expected to result in an absent or disrupted protein product. Loss-of-function variants in TTI2 are known to be pathogenic (PMID: 31737043).

Literature cited by the submitters: PubMed 31737043.

NM_001102401.4(TTI2):c.21_22insAAGCGCTCTG (p.Glu8fs)

Gene: TTI2 (TELO2 interacting protein 2; minus strand). Cytogenetic location: 8p12.
Variant type: Insertion.
Coding change: c.21_22insAAGCGCTCTG on transcript NM_001102401.4 (MANE Select); coding-DNA positions 21 to 22, AAGCGCTCTG inserted.
Protein change: p.Glu8fs; shifts the reading frame from glutamic acid 8.
Molecular consequence: frameshift variant.
Genome position: GRCh38 VCF-style: chr8-33512592-C-CCAGAGCGCTT. GRCh37 (hg19) VCF-style: chr8-33370110-C-CCAGAGCGCTT.
Other names: c.21_22insAAGCGCTCTG, p.Glu8fs (NM_001265581.2, NM_001330505.3, NM_025115.5); short protein forms E8fs.
Identifiers: ClinVar variation 858891 (VCV000858891.6), dbSNP rs1809594670, ClinGen allele CA916082981.